The following is an entry in ClinVar:

NM_020831.6(MRTFA):c.2036A>G (p.Asn679Ser)

Gene: MRTFA (myocardin related transcription factor A; minus strand). Cytogenetic location: 22q13.1.
Variant type: single nucleotide variant.
Coding change: c.2036A>G on transcript NM_020831.6 (MANE Select); coding-DNA position 2036, A replaced by G.
Protein change: p.Asn679Ser; replaces asparagine 679 with serine.
Molecular consequence: missense variant.
Genome position (GRCh38, 1-based): chr22:40,418,702, T>C on the plus strand (A>G on the coding strand, the complement: MRTFA is on the minus strand). VCF-style: chr22-40418702-T-C. GRCh37 (hg19) VCF-style: chr22-40814706-T-C.
Other names: c.1736A>G, p.Asn579Ser (NM_001282660.2); c.1886A>G, p.Asn629Ser (NM_001282661.3); c.2036A>G, p.Asn679Ser (NM_001282662.3); c.1841A>G, p.Asn614Ser (NM_001318139.2); c.1736A>G (NM_020831.3); short protein forms N579S, N614S, N629S, N679S.
Identifiers: ClinVar variation 1682999 (VCV001682999.9), dbSNP rs373373014, ClinGen allele CA10249462.
Genomic context (GRCh38, chr22:40,418,702, plus strand): 5'-GGGTTGAATGGGTGAGCGGGGCCCAGGGGCTGCTGGCTCAGCTGGCAGCTGGAGAAGCTG[T>C]TCTCCTGCTTCACGGGGGTGCCGAGGGGGGCGGGGGCGGGGGCGGGCTGCTGGGCTCGCT-3'
Protein context (NP_065882.2, residues 669-689): APLGTPVKQE[Asn679Ser]SFSSCQLSQQ

ClinVar aggregate classification (germline): Conflicting classifications of pathogenicity. Review status: criteria provided, conflicting classifications (1 of 4 stars). 2 submissions from 2 submitters: Uncertain significance (1); Likely benign (1). Last evaluated 2025-11-03.

Allele frequency attached by ClinVar (database versions not stated): gnomAD exomes 0.00003 and 0.00014; gnomAD 0.00004 and 0.00007; TOPMed 0.00005; ExAC 0.00019; 1000 Genomes Project 30x 0.00047.
gnomAD v4.1: 64 of 1,237,440 alleles (0.0052%); highest among the groups gnomAD compares: East Asian, 0.14%; no homozygotes.

Submissions (2):

Labcorp Genetics (formerly Invitae), Labcorp
Classification: Uncertain significance. Last evaluated: 2025-11-03. Review status: criteria provided, single submitter. Criteria: Invitae Variant Classification Sherloc (09022015). Collection method: clinical testing. Allele origin: germline.
Comment: This sequence change replaces asparagine, which is neutral and polar, with serine, which is neutral and polar, at codon 579 of the MKL1 protein (p.Asn579Ser). This variant is present in population databases (rs373373014, gnomAD 0.1%), and has an allele count higher than expected for a pathogenic variant. This variant has not been reported in the literature in individuals affected with MKL1-related conditions. ClinVar contains an entry for this variant (Variation ID: 1682999). An algorithm developed to predict the effect of missense changes on protein structure and function outputs the following: PolyPhen-2: "Benign". The serine amino acid residue is found in multiple mammalian species, which suggests that this missense change does not adversely affect protein function. In summary, the available evidence is currently insufficient to determine the role of this variant in disease. Therefore, it has been classified as a Variant of Uncertain Significance.

Ambry Genetics
Classification: Likely benign. Last evaluated: 2022-08-11. Review status: criteria provided, single submitter. Criteria: Ambry Variant Classification Scheme 2023. Collection method: clinical testing. Allele origin: germline.